The following is an entry in ClinVar:

ClinVar aggregate classification (germline): Uncertain significance. Review status: criteria provided, multiple submitters, no conflicts (2 of 4 stars). 2 submissions from 2 submitters: Uncertain significance (2). Last evaluated 2025-12-03.

Conditions:
Autosomal recessive osteopetrosis 1. Also called: ALBERS-SCHONBERG DISEASE, AUTOSOMAL RECESSIVE; TCIRG1-Related Autosomal Recessive Osteopetrosis; TCIRG1-Related Osteopetrosis. Identifiers: Orphanet 667, MedGen C1850127, MONDO:0009815, OMIM 259700.

Allele frequency attached by ClinVar (database versions not stated): gnomAD exomes 0.00002; TOPMed 0.00002; gnomAD 0.00003; ExAC 0.00007; ESP Exome Variant Server 0.00015.
gnomAD v4.1: 29 of 1,609,056 alleles (0.0018%); highest among the groups gnomAD compares: South Asian, 0.011%; no homozygotes.

Submissions (2):

Labcorp Genetics (formerly Invitae), Labcorp
Classification: Uncertain significance. Last evaluated: 2025-12-03. Review status: criteria provided, single submitter. Criteria: Invitae Variant Classification Sherloc (09022015). Collection method: clinical testing. Allele origin: germline.
Comment: This sequence change replaces glutamic acid, which is acidic and polar, with lysine, which is basic and polar, at codon 212 of the TCIRG1 protein (p.Glu212Lys). This variant is present in population databases (rs368374708, gnomAD 0.007%). This variant has not been reported in the literature in individuals affected with TCIRG1-related conditions. ClinVar contains an entry for this variant (Variation ID: 3065114). Invitae Evidence Modeling of protein sequence and biophysical properties (such as structural, functional, and spatial information, amino acid conservation, physicochemical variation, residue mobility, and thermodynamic stability) indicates that this missense variant is not expected to disrupt TCIRG1 protein function with a negative predictive value of 80%. In summary, the available evidence is currently insufficient to determine the role of this variant in disease. Therefore, it has been classified as a Variant of Uncertain Significance.

Genomic Medicine Center of Excellence, King Faisal Specialist Hospital and Research Centre
Classification: Uncertain significance for Autosomal recessive osteopetrosis 1. Last evaluated: 2024-03-26. Review status: criteria provided, single submitter. Criteria: ACMG Guidelines, 2015. Collection method: clinical testing. Allele origin: germline.

NM_006019.4(TCIRG1):c.634G>A (p.Glu212Lys)

Gene: TCIRG1 (T cell immune regulator 1, ATPase H+ transporting V0 subunit a3; plus strand). Cytogenetic location: 11q13.2.
Variant type: single nucleotide variant.
Coding change: c.634G>A on transcript NM_006019.4 (MANE Select); coding-DNA position 634, G replaced by A.
Protein change: p.Glu212Lys; replaces glutamic acid 212 with lysine.
Molecular consequence: missense variant. On other transcripts: 5 prime UTR variant (2).
Genome position (GRCh38, 1-based): chr11:68,043,574, G>A. VCF-style: chr11-68043574-G-A. GRCh37 (hg19) VCF-style: chr11-67811041-G-A.
Other names: c.-277G>A (NM_001351059.2); c.-15G>A (NM_006053.4); short protein forms E212K.
Identifiers: ClinVar variation 3065114 (VCV003065114.3), dbSNP rs368374708, ClinGen allele CA6146767.